The following is an entry in ClinVar:

ClinVar aggregate classification (germline): Uncertain significance (1 of 4 stars; one submission).

Allele frequency attached by ClinVar (database versions not stated): gnomAD exomes below 0.00001; TOPMed below 0.00001.

Submission:

GeneDx
Classification: Uncertain significance. Last evaluated: 2022-10-19. Review status: criteria provided, single submitter. Criteria: GeneDx Variant Classification Process June 2021. Collection method: clinical testing. Allele origin: germline. Affected: yes.
Comment: Not observed at significant frequency in large population cohorts (gnomAD); Has not been previously published as pathogenic or benign to our knowledge

NM_001042432.2(CLN3):c.-3G>A

Gene: CLN3 (CLN3 lysosomal/endosomal transmembrane protein, battenin; minus strand). Cytogenetic location: 16p12.1.
Variant type: single nucleotide variant.
Coding change: c.-3G>A on transcript NM_001042432.2 (MANE Select); 3 bases upstream of the start codon, G replaced by A.
Molecular consequence: 5 prime UTR variant.
Genome position (GRCh38, 1-based): chr16:28,491,762, C>T on the plus strand (G>A on the coding strand, the complement: CLN3 is on the minus strand). VCF-style: chr16-28491762-C-T. GRCh37 (hg19) VCF-style: chr16-28503083-C-T.
Other names: c.-3G>A (NM_000086.2, NM_001286104.2); c.-144G>A (NM_001286105.2); c.-86G>A (NM_001286109.2, NM_001286110.2).
Identifiers: ClinVar variation 2499730 (VCV002499730.1), dbSNP rs2046319351, ClinGen allele CA2215686976.